The following is an entry in ClinVar:

NM_001242896.3(DEPDC5):c.3884_3889del (p.Glu1295_Val1296del)

Gene: DEPDC5 (DEP domain containing 5, GATOR1 subcomplex subunit; plus strand). Cytogenetic location: 22q12.3.
Variant type: Deletion.
Coding change: c.3884_3889del on transcript NM_001242896.3 (MANE Select); coding-DNA positions 3884 to 3889, 6 bases deleted (AGGTGG; older notation c.3884_3889delAGGTGG).
Protein change: p.Glu1295_Val1296del.
Molecular consequence: inframe deletion. On other transcripts: non-coding transcript variant (5).
Genome position (GRCh38, 1-based): chr22:31,879,603-31,879,608, AGGTGG deleted; deleting any 6 consecutive bases within chr22:31,879,602-31,879,608 gives the same sequence; the c. name uses the placement nearest the transcript's 3' end. VCF-style (leftmost placement, unchanged base first): chr22-31879601-TGAGGTG-T. GRCh37 (hg19) VCF-style: chr22-32275587-TGAGGTG-T.
Other names: c.3857_3862del, p.Glu1286_Val1287del (NM_001136029.4); c.3584_3589del, p.Glu1195_Val1196del (NM_001242897.2); c.3818_3823del, p.Glu1273_Val1274del (NM_001363852.2, NM_001364320.2); c.3650_3655del, p.Glu1217_Val1218del (NM_001363854.2, NM_001364319.2); c.3884_3889del, p.Glu1295_Val1296del (NM_001364318.2); c.3800_3805del, p.Glu1267_Val1268del (NM_001369901.1, NM_001369902.1); c.3791_3796del, p.Glu1264_Val1265del (NM_001369903.1, NM_014662.6).
Identifiers: ClinVar variation 1500443 (VCV001500443.6), dbSNP rs2149294996, ClinGen allele CA2573157989.

ClinVar aggregate classification (germline): Uncertain significance (1 of 4 stars; one submission).

Conditions:
Familial focal epilepsy with variable foci (FPEVF). Identifiers: Orphanet 98820, MedGen C1858477, MONDO:0020310.

Submission:

Labcorp Genetics (formerly Invitae), Labcorp
Classification: Uncertain significance for Familial focal epilepsy with variable foci. Last evaluated: 2021-01-05. Review status: criteria provided, single submitter. Criteria: Invitae Variant Classification Sherloc (09022015). Collection method: clinical testing. Allele origin: germline.
Comment: This variant is not present in population databases (ExAC no frequency). This variant, c.3884_3889del, results in the deletion of 2 amino acid(s) of the DEPDC5 protein (p.Glu1295_Val1296del), but otherwise preserves the integrity of the reading frame. In summary, the available evidence is currently insufficient to determine the role of this variant in disease. Therefore, it has been classified as a Variant of Uncertain Significance. Experimental studies and prediction algorithms are not available or were not evaluated, and the functional significance of this variant is currently unknown. This variant has not been reported in the literature in individuals with DEPDC5-related conditions.